The following is an entry in ClinVar:

NM_033380.3(COL4A5):c.4502del (p.Asn1501fs)

Gene: COL4A5 (collagen type IV alpha 5 chain; plus strand). Cytogenetic location: Xq22.3.
Variant type: Deletion.
Coding change: c.4502del on transcript NM_033380.3 (MANE Select); coding-DNA position 4502, one base deleted (A; older notation c.4502delA).
Protein change: p.Asn1501fs; shifts the reading frame from asparagine 1501.
Molecular consequence: frameshift variant.
Genome position (GRCh38, 1-based): chrX:108,687,668, A deleted; the last of 3 consecutive A bases (chrX:108,687,666-108,687,668); deleting any one gives the same sequence. VCF-style (leftmost placement, unchanged base first): chrX-108687665-GA-G. GRCh37 (hg19) VCF-style: chrX-107930895-GA-G.
Other names: p.(Asn1501IlefsTer53); c.4484del, p.Asn1495fs (NM_000495.5); short protein forms N1495fs, N1501fs.
Identifiers: ClinVar variation 5041979 (VCV005041979.1).

ClinVar aggregate classification (germline): Pathogenic (1 of 4 stars; one submission).

Conditions:
X-linked Alport syndrome (ATS1). Also called: NEPHROPATHY AND DEAFNESS, X-LINKED; COL4A5-Related Nephropathy. Identifiers: Orphanet 63, Orphanet 88917, MedGen C4746986, MONDO:0010520, OMIM 301050.

Submission:

Centre de Génétique Humaine, Institut de Pathologie Et de Génétique
Classification: Pathogenic for X-linked Alport syndrome. Last evaluated: 2026-06-11. Review status: criteria provided, single submitter. Criteria: ACMG Guidelines, 2015. Collection method: clinical testing. Allele origin: germline. Inheritance: X-linked dominant inheritance. Affected: yes. Observed: 1 variant allele, 1 heterozygote. Segregation with disease not observed.
Comment: This 1bp deletion is a frameshift variant predicted to result in protein truncation or nonsense mediated decay in a gene for which loss-of-function is a known mechanism of disease (PVS1). This variant is rare: absent in gnomAD v4.1.0 database (PM2).